The following is an entry in ClinVar:

NM_006904.7(PRKDC):c.6977T>A (p.Ile2326Lys)

Gene: PRKDC (protein kinase, DNA-activated, catalytic subunit; minus strand). Cytogenetic location: 8q11.21.
Variant type: single nucleotide variant.
Coding change: c.6977T>A on transcript NM_006904.7 (MANE Select); coding-DNA position 6977, T replaced by A.
Protein change: p.Ile2326Lys; replaces isoleucine 2326 with lysine.
Molecular consequence: missense variant.
Genome position (GRCh38, 1-based): chr8:47,852,701, A>T on the plus strand (T>A on the coding strand, the complement: PRKDC is on the minus strand). VCF-style: chr8-47852701-A-T. GRCh37 (hg19) VCF-style: chr8-48765262-A-T.
Other names: c.6977T>A, p.Ile2326Lys (NM_001081640.2); short protein forms I2326K.
Identifiers: ClinVar variation 2202589 (VCV002202589.2), dbSNP rs745515428, ClinGen allele CA371158144.

ClinVar aggregate classification (germline): Uncertain significance (1 of 4 stars; one submission).

Conditions:
Severe combined immunodeficiency due to DNA-PKcs deficiency. Also called: IMMUNODEFICIENCY 26 WITH NEUROLOGIC ABNORMALITIES; Immunodeficiency 26 with or without neurologic abnormalities. Identifiers: Orphanet 317425, MedGen C4014833, MONDO:0014423, OMIM 615966.

gnomAD v4.1: 2 of 1,576,872 alleles (0.00013%); highest among the groups gnomAD compares: Non-Finnish European, 0.00017%; no homozygotes.

Submission:

Labcorp Genetics (formerly Invitae), Labcorp
Classification: Uncertain significance for Severe combined immunodeficiency due to DNA-PKcs deficiency. Last evaluated: 2022-05-08. Review status: criteria provided, single submitter. Criteria: Invitae Variant Classification Sherloc (09022015). Collection method: clinical testing. Allele origin: germline.
Comment: This sequence change replaces isoleucine, which is neutral and non-polar, with lysine, which is basic and polar, at codon 2326 of the PRKDC protein (p.Ile2326Lys). This variant is not present in population databases (gnomAD no frequency). This variant has not been reported in the literature in individuals affected with PRKDC-related conditions. Experimental studies and prediction algorithms are not available or were not evaluated, and the functional significance of this variant is currently unknown. In summary, the available evidence is currently insufficient to determine the role of this variant in disease. Therefore, it has been classified as a Variant of Uncertain Significance.